The following is an entry in ClinVar:

NM_001134831.2(AHI1):c.1447G>T (p.Gly483Ter)

Gene: AHI1 (Abelson helper integration site 1; minus strand). Cytogenetic location: 6q23.3.
Variant type: single nucleotide variant.
Coding change: c.1447G>T on transcript NM_001134831.2 (MANE Select); coding-DNA position 1447, G replaced by T.
Protein change: p.Gly483Ter; replaces glycine 483 with a stop codon.
Molecular consequence: nonsense.
Genome position (GRCh38, 1-based): chr6:135,448,469, C>A on the plus strand (G>T on the coding strand, the complement: AHI1 is on the minus strand). VCF-style: chr6-135448469-C-A. GRCh37 (hg19) VCF-style: chr6-135769607-C-A.
Other names: c.1447G>T, p.Gly483Ter (NM_001134830.2, NM_001134832.2, NM_001350503.2 and 2 more transcripts); short protein forms G483*.
Identifiers: ClinVar variation 5016040 (VCV005016040.1).

ClinVar aggregate classification (germline): Pathogenic (1 of 4 stars; one submission).

Conditions:
Joubert syndrome 3 (JBTS3). Also called: AHI1-related Ciliopathy. Identifiers: Orphanet 220493, MedGen C1837713, MONDO:0012078, OMIM 608629.

Submission:

Myriad Genetics, Inc.
Classification: Pathogenic for Joubert syndrome 3. Last evaluated: 2026-06-15. Review status: criteria provided, single submitter. Criteria: Myriad Autosomal Dominant, Autosomal Recessive and X-Linked Classification Criteria (2023). Collection method: clinical testing. Allele origin: unknown.
Comment: NM_001134831.1(AHI1):c.1447G>T(G483*) is expected to be pathogenic in the context of Joubert syndrome, AHI1-related. This variant is predicted to lead to an abnormal or absent protein product due to the creation of a premature termination codon in AHI1, a gene where loss-of-function variants are known to be pathogenic. Please note: this variant was assessed in the context of healthy population screening.